The following is an entry in ClinVar:

ClinVar aggregate classification (germline): Uncertain significance. Review status: criteria provided, multiple submitters, no conflicts (2 of 4 stars). 4 submissions from 4 submitters: Uncertain significance (4). Last evaluated 2025-09-08.

Conditions:
Familial cancer of breast. Also called: BREAST CANCER, FAMILIAL; hereditary breast carcinoma; Hereditary breast cancer. Identifiers: Orphanet 227535, MedGen C0346153, MONDO:0016419, OMIM 114480. Disease mechanism: loss of function.
Fanconi anemia complementation group N. Also called: PALB2-Related Fanconi Anemia. Identifiers: Orphanet 84, MedGen C1835817, MONDO:0012565, OMIM 610832. Disease mechanism: loss of function.
Pancreatic cancer, susceptibility to, 3. Identifiers: Orphanet 1333, MedGen C3150547, MONDO:0013236, OMIM 613348.
Hereditary cancer-predisposing syndrome. Also called: Hereditary Cancer Syndrome; Neoplastic Syndromes, Hereditary; Tumor predisposition; Hereditary neoplastic syndrome. Identifiers: Orphanet 140162, MedGen C0027672, MeSH D009386, MONDO:0015356.

Submissions (4):

Quest Diagnostics Nichols Institute San Juan Capistrano
Classification: Uncertain significance. Last evaluated: 2025-09-08. Review status: criteria provided, single submitter. Criteria: Quest Diagnostics criteria. Collection method: clinical testing. Allele origin: unknown.
Comment: The PALB2 c.1862C>T (p.Pro621Leu) variant has not been reported in individuals with PALB2-related conditions in the published literature. This variant has not been reported in large, multi-ethnic general populations (Genome Aggregation Database). Analysis of this variant using bioinformatics tools for the prediction of the effect of amino acid changes on protein structure and function yielded predictions that this variant is benign. Based on the available information, we are unable to determine the clinical significance of this variant.

Ambry Genetics
Classification: Uncertain significance for Hereditary cancer-predisposing syndrome. Last evaluated: 2024-06-27. Review status: criteria provided, single submitter. Criteria: Ambry Variant Classification Scheme 2023. Collection method: clinical testing. Allele origin: germline.
Comment: The p.P621L variant (also known as c.1862C>T), located in coding exon 5 of the PALB2 gene, results from a C to T substitution at nucleotide position 1862. The proline at codon 621 is replaced by leucine, an amino acid with similar properties. This amino acid position is conserved. In addition, this alteration is predicted to be tolerated by in silico analysis. Based on the available evidence, the clinical significance of this variant remains unclear.

Color Diagnostics, LLC DBA Color Health
Classification: Uncertain significance for Hereditary cancer-predisposing syndrome. Last evaluated: 2024-03-06. Review status: criteria provided, single submitter. Criteria: ACMG Guidelines, 2015. Collection method: clinical testing. Allele origin: germline.
Comment: This missense variant replaces proline with leucine at codon 621 of the PALB2 protein. Computational prediction suggests that this variant may not impact protein structure and function (internally defined REVEL score threshold <= 0.5, PMID: 27666373). To our knowledge, functional studies have not been reported for this variant. This variant has not been reported in individuals affected with hereditary cancer in the literature. This variant has not been identified in the general population by the Genome Aggregation Database (gnomAD). The available evidence is insufficient to determine the role of this variant in disease conclusively. Therefore, this variant is classified as a Variant of Uncertain Significance.

Fulgent Genetics
Classification: Uncertain significance for Familial cancer of breast; Fanconi anemia complementation group N; Pancreatic cancer, susceptibility to, 3. Last evaluated: 2021-11-04. Review status: criteria provided, single submitter. Criteria: ACMG Guidelines, 2015. Collection method: clinical testing. Allele origin: unknown.

NM_024675.4(PALB2):c.1862C>T (p.Pro621Leu)

Gene: PALB2 (partner and localizer of BRCA2; minus strand). Cytogenetic location: 16p12.2.
Variant type: single nucleotide variant.
Coding change: c.1862C>T on transcript NM_024675.4 (MANE Select); coding-DNA position 1862, C replaced by T.
Protein change: p.Pro621Leu; replaces proline 621 with leucine.
Molecular consequence: missense variant.
Genome position (GRCh38, 1-based): chr16:23,630,292, G>A on the plus strand (C>T on the coding strand, the complement: PALB2 is on the minus strand). VCF-style: chr16-23630292-G-A. GRCh37 (hg19) VCF-style: chr16-23641613-G-A.
Other names: short protein forms P621L.
Identifiers: ClinVar variation 630453 (VCV000630453.7), dbSNP rs1567218668, ClinGen allele CA395127723.